The following is an entry in ClinVar:

ClinVar aggregate classification (germline): Pathogenic (1 of 4 stars; one submission).

Conditions:
PI4KA-related disorder. Also called: PI4KA-related condition; PI4KA-related disorders. Identifiers: MedGen CN378147, MONDO:1040012.

Allele frequency attached by ClinVar (database versions not stated): gnomAD exomes below 0.00001; ExAC 0.00002; gnomAD 0.00002; TOPMed 0.00004; 1000 Genomes Project 30x 0.00031.

Submission:

Women's Health and Genetics/Laboratory Corporation of America, LabCorp
Classification: Pathogenic for PI4KA-Related Disorders. Last evaluated: 2023-08-03. Review status: criteria provided, single submitter. Criteria: LabCorp Variant Classification Summary - May 2015. Collection method: clinical testing. Allele origin: germline.
Comment: Variant summary: PI4KA c.2977delC (p.Leu993TrpfsX15) results in a premature termination codon, predicted to cause a truncation of the encoded protein or absence of the protein due to nonsense mediated decay, which are commonly known mechanisms for disease. Variants downstream of this position have been classified as pathogenic in ClinVar database. The variant allele was found at a frequency of 4e-06 in 251464 control chromosomes (gnomAD). To our knowledge, no occurrence of c.2977delC in individuals affected with PI4KA-Related Disorders and no experimental evidence demonstrating its impact on protein function have been reported. No submitters have cited clinical-significance assessments for this variant to ClinVar after 2014. Based on the evidence outlined above, the variant was classified as pathogenic.

NM_058004.4(PI4KA):c.2977del (p.Leu993fs)

Gene: PI4KA (phosphatidylinositol 4-kinase alpha; minus strand). Cytogenetic location: 22q11.21.
Variant type: Deletion.
Coding change: c.2977del on transcript NM_058004.4 (MANE Select); coding-DNA position 2977, one base deleted (C; older notation c.2977delC).
Protein change: p.Leu993fs; shifts the reading frame from leucine 993.
Molecular consequence: frameshift variant.
Genome position (GRCh38, 1-based): chr22:20,752,913, G deleted on the plus strand (C on the coding strand, the reverse complement: PI4KA is on the minus strand). VCF-style (leftmost placement, unchanged base first): chr22-20752912-AG-A. GRCh37 (hg19) VCF-style: chr22-21107200-AG-A.
Other names: c.2977del, p.Leu993fs (NM_001362862.2); c.2911del, p.Leu971fs (NM_001362863.2); short protein forms L971fs, L993fs.
Identifiers: ClinVar variation 2581427 (VCV002581427.1), dbSNP rs779656809, ClinGen allele CA10115550.
Genomic context (GRCh38, chr22:20,752,912, plus strand): 5'-ACAGAAGTTTATATACATACACACAAAACATTAGCAGGAAAATGAGCTTACTTATCCACC[AG>A]ACCAGATAGATACTTGTCTGCCACCCTCCTTATCCTCTTGTGGATGTGGTTGAAGTTCAC-3'